The following is an entry in ClinVar:

ClinVar aggregate classification (germline): Likely benign. Review status: criteria provided, single submitter (1 of 4 stars). 2 submissions from 2 submitters: Likely benign (1). 1 of the submissions does not count toward it. Last evaluated 2024-11-29.

Conditions:
RAB3GAP1-related disorder. Also called: RAB3GAP1-related disorders; RAB3GAP1-related condition.

Allele frequency attached by ClinVar (database versions not stated): TOPMed 0.00002; gnomAD 0.00003; ExAC 0.00005; gnomAD exomes 0.00007.
gnomAD v4.1: 47 of 1,601,318 alleles (0.0029%); highest among the groups gnomAD compares: Admixed American, 0.047%; no homozygotes.

Submissions (2):

Labcorp Genetics (formerly Invitae), Labcorp
Classification: Likely benign. Last evaluated: 2024-11-29. Review status: criteria provided, single submitter. Criteria: Invitae Variant Classification Sherloc (09022015). Collection method: clinical testing. Allele origin: germline.

PreventionGenetics, part of Exact Sciences
Classification: Likely benign for RAB3GAP1-related condition. Last evaluated: 2022-12-16. Review status: no assertion criteria provided. Collection method: clinical testing. Allele origin: germline. Not counted in ClinVar's aggregate classification.
Comment: This variant is classified as likely benign based on ACMG/AMP sequence variant interpretation guidelines (Richards et al. 2015 PMID: 25741868, with internal and published modifications).

NM_012233.3(RAB3GAP1):c.240A>C (p.Val80=)

Gene: RAB3GAP1 (RAB3 GTPase activating protein catalytic subunit 1; plus strand). Cytogenetic location: 2q21.3.
Variant type: single nucleotide variant.
Coding change: c.240A>C on transcript NM_012233.3 (MANE Select); coding-DNA position 240, A replaced by C.
Protein change: p.Val80=; no amino-acid change (valine 80 retained).
Molecular consequence: synonymous variant.
Genome position (GRCh38, 1-based): chr2:135,091,087, A>C. VCF-style: chr2-135091087-A-C. GRCh37 (hg19) VCF-style: chr2-135848657-A-C.
Other names: c.240A>C, p.Val80= (NM_001172435.2).
Identifiers: ClinVar variation 774002 (VCV000774002.10), dbSNP rs145219231, ClinGen allele CA1884468.